The following is an entry in ClinVar:

NM_001868.4(CPA1):c.767A>G (p.Asn256Ser)

Gene: CPA1 (carboxypeptidase A1; plus strand). Cytogenetic location: 7q32.2.
Variant type: single nucleotide variant.
Coding change: c.767A>G on transcript NM_001868.4 (MANE Select); coding-DNA position 767, A replaced by G.
Protein change: p.Asn256Ser; replaces asparagine 256 with serine.
Molecular consequence: missense variant.
Genome position (GRCh38, 1-based): chr7:130,384,606, A>G. VCF-style: chr7-130384606-A-G. GRCh37 (hg19) VCF-style: chr7-130024447-A-G.
Other names: short protein forms N256S.
Identifiers: ClinVar variation 3221849 (VCV003221849.1), dbSNP rs2536011012, ClinGen allele CA369283027.

ClinVar aggregate classification (germline): Uncertain significance (1 of 4 stars; one submission).

Conditions:
Hereditary pancreatitis (PCTT). Also called: Hereditary chronic pancreatitis; PRSS1-Related Hereditary Pancreatitis. Identifiers: Orphanet 676, MedGen C0238339, MONDO:0008185, OMIM 167800.

Submission:

Ambry Genetics
Classification: Uncertain significance for Hereditary pancreatitis. Last evaluated: 2022-06-10. Review status: criteria provided, single submitter. Criteria: Ambry Variant Classification Scheme 2023. Collection method: clinical testing. Allele origin: germline.
Comment: The p.N256S variant (also known as c.767A>G), located in coding exon 7 of the CPA1 gene, results from an A to G substitution at nucleotide position 767. The asparagine at codon 256 is replaced by serine, an amino acid with highly similar properties. This amino acid position is conserved. In addition, this alteration is predicted to be tolerated by in silico analysis. Since supporting evidence is limited at this time, the clinical significance of this alteration remains unclear.